The following is an entry in ClinVar:

ClinVar aggregate classification (germline): Benign/Likely benign. Review status: criteria provided, multiple submitters, no conflicts (2 of 4 stars). 7 submissions from 7 submitters: Benign (2); Likely benign (5). Last evaluated 2026-07-13.

Conditions:
Hereditary cancer-predisposing syndrome. Also called: Hereditary Cancer Syndrome; Tumor predisposition; Hereditary neoplastic syndrome; Neoplastic Syndromes, Hereditary. Identifiers: Orphanet 140162, MedGen C0027672, MeSH D009386, MONDO:0015356.
Rhabdoid tumor predisposition syndrome 2 (RTPS2). Identifiers: Orphanet 231108, Orphanet 69077, MedGen C2750074, MONDO:0013224, OMIM 613325.

Allele frequency attached by ClinVar (database versions not stated): ESP Exome Variant Server 0.00008; gnomAD exomes 0.00009 and 0.00031; gnomAD 0.00017 and 0.00016; ExAC 0.00013; TOPMed 0.00015.
gnomAD v4.1: 468 of 1,613,760 alleles (0.029%); highest among the groups gnomAD compares: Non-Finnish European, 0.039%; no homozygotes.

Submissions (7):

Myriad Genetics, Inc.
Classification: Benign for Rhabdoid tumor predisposition syndrome 2. Last evaluated: 2026-07-13. Review status: criteria provided, single submitter. Criteria: Myriad Autosomal Dominant, Autosomal Recessive and X-Linked Classification Criteria (2023). Collection method: clinical testing. Allele origin: unknown.
Comment: This variant is considered benign. This variant is a silent/synonymous amino acid change and it is not expected to impact splicing.

Labcorp Genetics (formerly Invitae), Labcorp
Classification: Benign for Rhabdoid tumor predisposition syndrome 2. Last evaluated: 2026-01-26. Review status: criteria provided, single submitter. Criteria: Invitae Variant Classification Sherloc (09022015). Collection method: clinical testing. Allele origin: germline.

Blueprint Genetics
Classification: Likely benign. Last evaluated: 2024-10-17. Review status: criteria provided, single submitter. Criteria: ACMG Guidelines, 2015. Collection method: clinical testing. Allele origin: germline.

CeGaT Center for Human Genetics Tuebingen
Classification: Likely benign. Last evaluated: 2023-08-01. Review status: criteria provided, single submitter. Criteria: CeGaT Center For Human Genetics Tuebingen Variant Classification Criteria Version 2. Collection method: clinical testing. Allele origin: germline. Affected: yes. Observed: 1 variant allele.
Comment: SMARCA4: BP4, BP7

Sema4
Classification: Likely benign for Hereditary cancer-predisposing syndrome. Last evaluated: 2021-05-27. Review status: criteria provided, single submitter. Criteria: Sema4 Curation Guidelines. Collection method: curation. Allele origin: germline.

GeneDx
Classification: Likely benign. Last evaluated: 2020-12-08. Review status: criteria provided, single submitter. Criteria: GeneDx Variant Classification Process June 2021. Collection method: clinical testing. Allele origin: germline. Affected: yes.

Ambry Genetics
Classification: Likely benign for Hereditary cancer-predisposing syndrome. Last evaluated: 2015-06-15. Review status: criteria provided, single submitter. Criteria: Ambry Variant Classification Scheme 2023. Collection method: clinical testing. Allele origin: germline.

NM_003072.5(SMARCA4):c.2064G>A (p.Lys688=)

Gene: SMARCA4 (SWI/SNF related BAF chromatin remodeling complex subunit ATPase 4; plus strand). Cytogenetic location: 19p13.2.
Variant type: single nucleotide variant.
Coding change: c.2064G>A on transcript NM_003072.5 (MANE Select); coding-DNA position 2064, G replaced by A.
Protein change: p.Lys688=; no amino-acid change (lysine 688 retained).
Molecular consequence: synonymous variant. On other transcripts: non-coding transcript variant (1).
Genome position (GRCh38, 1-based): chr19:11,007,964, G>A. VCF-style: chr19-11007964-G-A. GRCh37 (hg19) VCF-style: chr19-11118640-G-A.
Other names: c.2064G>A, p.Lys688= (NM_001128844.3, NM_001128845.2, NM_001128846.2 and 5 more transcripts).
Identifiers: ClinVar variation 238388 (VCV000238388.44), dbSNP rs368941893, ClinGen allele CA9203999.
Genomic context (GRCh38, chr19:11,007,964, plus strand): 5'-GGAGGAGGAAGAGCAGCCGCAGGCAGCACAGCCTCCCACCCTGCCCGTGGAGGAGAAGAA[G>A]AAGATTCCAGATCCAGACAGCGATGACGTCTCTGAGGTGGACGCGCGGCACATCATTGAG-3'
Protein context (NP_003063.2, residues 678-698): QPPTLPVEEK[Lys688=]KIPDPDSDDV